The following is an entry in ClinVar:

ClinVar aggregate classification (germline): Likely benign. Review status: criteria provided, single submitter (1 of 4 stars). 2 submissions from 2 submitters: Likely benign (1). 1 of the submissions does not count toward it. Last evaluated 2025-10-09.

Conditions:
SKIC3-related disorder. Also called: SKIC3-related condition.

Allele frequency attached by ClinVar (database versions not stated): gnomAD 0.00001; TOPMed 0.00002; gnomAD exomes 0.00003; ExAC 0.00004; ESP Exome Variant Server 0.00008.
gnomAD v4.1: 51 of 1,609,110 alleles (0.0032%); highest among the groups gnomAD compares: Non-Finnish European, 0.004%; no homozygotes.

Submissions (2):

Labcorp Genetics (formerly Invitae), Labcorp
Classification: Likely benign. Last evaluated: 2025-10-09. Review status: criteria provided, single submitter. Criteria: Invitae Variant Classification Sherloc (09022015). Collection method: clinical testing. Allele origin: germline.

PreventionGenetics, part of Exact Sciences
Classification: Likely benign for SKIC3-related condition. Last evaluated: 2020-06-22. Review status: no assertion criteria provided. Collection method: clinical testing. Allele origin: germline. Not counted in ClinVar's aggregate classification.
Comment: This variant is classified as likely benign based on ACMG/AMP sequence variant interpretation guidelines (Richards et al. 2015 PMID: 25741868, with internal and published modifications).

NM_014639.4(SKIC3):c.3024G>A (p.Leu1008=)

Gene: SKIC3 (SKI3 subunit of superkiller complex; minus strand). Cytogenetic location: 5q15.
Variant type: single nucleotide variant.
Coding change: c.3024G>A on transcript NM_014639.4 (MANE Select); coding-DNA position 3024, G replaced by A.
Protein change: p.Leu1008=; no amino-acid change (leucine 1008 retained).
Molecular consequence: synonymous variant.
Genome position (GRCh38, 1-based): chr5:95,507,002, C>T on the plus strand (G>A on the coding strand, the complement: SKIC3 is on the minus strand). VCF-style: chr5-95507002-C-T. GRCh37 (hg19) VCF-style: chr5-94842706-C-T.
Identifiers: ClinVar variation 2414319 (VCV002414319.9), dbSNP rs371152563, ClinGen allele CA3346868.